The following is an entry in ClinVar:

NM_000111.3(SLC26A3):c.1387C>T (p.Arg463Ter)

Gene: SLC26A3 (solute carrier family 26 member 3; minus strand). Cytogenetic location: 7q22.3.
Variant type: single nucleotide variant.
Coding change: c.1387C>T on transcript NM_000111.3 (MANE Select); coding-DNA position 1387, C replaced by T.
Protein change: p.Arg463Ter; replaces arginine 463 with a stop codon.
Molecular consequence: nonsense.
Genome position (GRCh38, 1-based): chr7:107,779,688, G>A on the plus strand (C>T on the coding strand, the complement: SLC26A3 is on the minus strand). VCF-style: chr7-107779688-G-A. GRCh37 (hg19) VCF-style: chr7-107420133-G-A.
Other names: short protein forms R463*.
Identifiers: ClinVar variation 55971 (VCV000055971.5), dbSNP rs386833453, ClinGen allele CA144052.

ClinVar aggregate classification (germline): Pathogenic. Review status: criteria provided, single submitter (1 of 4 stars). 2 submissions from 2 submitters: Pathogenic (1). 1 of the submissions does not count toward it. Last evaluated 2024-03-23.

Conditions:
Congenital secretory diarrhea, chloride type (DIAR1). Also called: DIARRHEA 1, SECRETORY CHLORIDE, CONGENITAL; CHLORIDORRHEA, CONGENITAL; CHLORIDE DIARRHEA, CONGENITAL, FINNISH TYPE. Identifiers: Orphanet 53689, MedGen C0267662, MONDO:0008964, OMIM 214700.

Allele frequency attached by ClinVar (database versions not stated): gnomAD below 0.00001 and 0.00001; ExAC 0.00001.
gnomAD v4.1: 7 of 1,612,984 alleles (0.00043%); highest among the groups gnomAD compares: South Asian, 0.0011%; no homozygotes.

Submissions (2):

Labcorp Genetics (formerly Invitae), Labcorp
Classification: Pathogenic. Last evaluated: 2024-03-23. Review status: criteria provided, single submitter. Criteria: Invitae Variant Classification Sherloc (09022015). Collection method: clinical testing. Allele origin: germline.
Comment: This sequence change creates a premature translational stop signal (p.Arg463*) in the SLC26A3 gene. It is expected to result in an absent or disrupted protein product. Loss-of-function variants in SLC26A3 are known to be pathogenic (PMID: 9718329, 21394828). This variant is present in population databases (rs386833453, gnomAD 0.0009%). This premature translational stop signal has been observed in individual(s) with congenital chloride diarrhea (PMID: 21394828). ClinVar contains an entry for this variant (Variation ID: 55971). Algorithms developed to predict the effect of sequence changes on RNA splicing suggest that this variant may disrupt the consensus splice site. For these reasons, this variant has been classified as Pathogenic.

Juha Muilu Group; Institute for Molecular Medicine Finland (FIMM)
Classification: Likely pathogenic for Congenital secretory diarrhea, chloride type. Review status: no assertion criteria provided. Collection method: not provided. Allele origin: unknown. Not counted in ClinVar's aggregate classification.
Comment: FinDis database variant: This variant was not found or characterized by our laboratory, data were collected from public sources: see reference
ClinVar note: Converted during submission from probable-pathogenic to Likely pathogenic.

Literature cited by the submitters: PubMed 9718329 (cited by Labcorp Genetics (formerly Invitae), Labcorp); PubMed 21394828 (cited by Labcorp Genetics (formerly Invitae), Labcorp).